The following is an entry in ClinVar:

NM_015354.3(NUP188):c.3088-10A>G

Gene: NUP188 (nucleoporin 188; plus strand). Cytogenetic location: 9q34.11.
Variant type: single nucleotide variant.
Coding change: c.3088-10A>G on transcript NM_015354.3 (MANE Select); 10 bases into the intron before coding-DNA position 3088, A replaced by G.
Molecular consequence: intron variant.
Genome position (GRCh38, 1-based): chr9:128,994,846, A>G. VCF-style: chr9-128994846-A-G. GRCh37 (hg19) VCF-style: chr9-131757125-A-G.
Identifiers: ClinVar variation 3039117 (VCV003039117.2), dbSNP rs17481317, ClinGen allele CA5272859.
Genomic context (GRCh38, chr9:128,994,846, plus strand): 5'-CCCTGTTTGATATACTGGGGGAGATCAGTGATCAGAGATGTGATAATTGCCTGTTCTGCT[A>G]TCTCCACAGCCCAGCATCCTGGAAACCTGTGCCCTAATCATGAAGATAATTTGCTTGGAG-3'

ClinVar aggregate classification (germline): Benign (0 of 4 stars; one submission).

Conditions:
NUP188-related disorder. Also called: NUP188-related condition.

Allele frequency attached by ClinVar (database versions not stated): ExAC 0.01936; gnomAD 0.04420; ESP Exome Variant Server 0.04729; TOPMed 0.04910; 1000 Genomes Project 30x 0.05559; 1000 Genomes Project 0.05651.
gnomAD v4.1: 18,424 of 1,611,870 alleles (1.1%); highest among the groups gnomAD compares: African/African-American, 15%; 1,002 homozygotes.

Submission:

PreventionGenetics, part of Exact Sciences
Classification: Benign for NUP188-related condition. Last evaluated: 2019-11-11. Review status: no assertion criteria provided. Collection method: clinical testing. Allele origin: germline.
Comment: This variant is classified as benign based on ACMG/AMP sequence variant interpretation guidelines (Richards et al. 2015 PMID: 25741868, with internal and published modifications).